The following is an entry in ClinVar:

ClinVar aggregate classification (germline): Pathogenic/Likely pathogenic. Review status: criteria provided, multiple submitters, no conflicts (2 of 4 stars). 2 submissions from 2 submitters: Pathogenic (1); Likely pathogenic (1). Last evaluated 2024-10-04.

Conditions:
Bardet-Biedl syndrome 6 (BBS6). Identifiers: Orphanet 110, MedGen C1858054, MONDO:0011523, OMIM 605231.
Bardet-Biedl syndrome (BBS). Identifiers: Orphanet 110, MedGen C0752166, MONDO:0015229.
McKusick-Kaufman syndrome (MKKS). Also called: HYDROMETROCOLPOS SYNDROME; HYDROMETROCOLPOS, POSTAXIAL POLYDACTYLY, AND CONGENITAL HEART MALFORMATION. Identifiers: Orphanet 2473, MedGen C0948368, MONDO:0009367, OMIM 236700.

Submissions (2):

Labcorp Genetics (formerly Invitae), Labcorp
Classification: Pathogenic for McKusick-Kaufman syndrome; Bardet-Biedl syndrome. Last evaluated: 2024-10-04. Review status: criteria provided, single submitter. Criteria: Invitae Variant Classification Sherloc (09022015). Collection method: clinical testing. Allele origin: germline.
Comment: This sequence change creates a premature translational stop signal (p.Leu290Serfs*37) in the MKKS gene. It is expected to result in an absent or disrupted protein product. Loss-of-function variants in MKKS are known to be pathogenic (PMID: 11179009, 28761321, 30614526). This variant is not present in population databases (gnomAD no frequency). This variant has not been reported in the literature in individuals affected with MKKS-related conditions. ClinVar contains an entry for this variant (Variation ID: 1406457). Algorithms developed to predict the effect of sequence changes on RNA splicing suggest that this variant may disrupt the consensus splice site. For these reasons, this variant has been classified as Pathogenic.

Baylor Genetics
Classification: Likely pathogenic for Bardet-Biedl syndrome 6. Last evaluated: 2024-02-07. Review status: criteria provided, single submitter. Criteria: ACMG Guidelines, 2015. Collection method: clinical testing. Allele origin: unknown.

Literature cited by the submitters: PubMed 11179009 (cited by Labcorp Genetics (formerly Invitae), Labcorp); PubMed 28761321 (cited by Labcorp Genetics (formerly Invitae), Labcorp); PubMed 30614526 (cited by Labcorp Genetics (formerly Invitae), Labcorp).

NM_170784.3(MKKS):c.867dup (p.Leu290fs)

Gene: MKKS (MKKS centrosomal shuttling protein; minus strand). Cytogenetic location: 20p12.2.
Variant type: Duplication.
Coding change: c.867dup on transcript NM_170784.3 (MANE Select); coding-DNA position 867, one base duplicated (T; older notation c.867dupT).
Protein change: p.Leu290fs; shifts the reading frame from leucine 290.
Molecular consequence: frameshift variant.
Genome position (GRCh38, 1-based): chr20:10,412,648, A duplicated on the plus strand (T on the coding strand, the reverse complement: MKKS is on the minus strand). VCF-style (leftmost placement, unchanged base first): chr20-10412647-G-GA. GRCh37 (hg19) VCF-style: chr20-10393295-G-GA.
Other names: c.867dup, p.Leu290fs (NM_018848.3); short protein forms L290fs.
Identifiers: ClinVar variation 1406457 (VCV001406457.7), dbSNP rs2122234051, ClinGen allele CA2573156830.